The following is an entry in ClinVar:

ClinVar aggregate classification (germline): Conflicting classifications of pathogenicity. Review status: criteria provided, conflicting classifications (1 of 4 stars). 4 submissions from 4 submitters: Uncertain significance (3); Likely benign (1). Last evaluated 2023-12-05.

Conditions:
Hereditary breast ovarian cancer syndrome. Also called: Hereditary breast and ovarian cancer syndrome (HBOC); Hereditary breast and ovarian cancer; Hereditary breast and/or ovarian cancer syndrome; Hereditary breast and ovarian cancer syndrome; Breast and ovarian cancer; BRCA1- and BRCA2-Associated Hereditary Breast and Ovarian Cancer. Identifiers: Orphanet 145, MedGen C0677776, MeSH D061325, MONDO:0003582. Disease mechanism: loss of function.
Hereditary cancer-predisposing syndrome. Also called: Neoplastic Syndromes, Hereditary; Tumor predisposition; Hereditary neoplastic syndrome; Hereditary Cancer Syndrome. Identifiers: Orphanet 140162, MedGen C0027672, MeSH D009386, MONDO:0015356.

Allele frequency attached by ClinVar (database versions not stated): gnomAD exomes below 0.00001; ExAC 0.00001.
gnomAD v4.1: 1 of 1,613,212 alleles (0.000062%); highest among the groups gnomAD compares: Non-Finnish European, 0.000085%; no homozygotes.

Submissions (4):

Color Diagnostics, LLC DBA Color Health
Classification: Uncertain significance for Hereditary cancer-predisposing syndrome. Last evaluated: 2023-12-05. Review status: criteria provided, single submitter. Criteria: ACMG Guidelines, 2015. Collection method: clinical testing. Allele origin: germline.
Comment: This missense variant replaces isoleucine with methionine at codon 580 of the BRCA2 protein. Computational prediction suggests that this variant may not impact protein structure and function (internally defined REVEL score threshold <= 0.5, PMID: 27666373). To our knowledge, functional studies have not been reported for this variant. This variant has not been reported in individuals affected with BRCA2-related disorders in the literature. This variant has been identified in 1/250562 chromosomes in the general population by the Genome Aggregation Database (gnomAD). The available evidence is insufficient to determine the role of this variant in disease conclusively. Therefore, this variant is classified as a Variant of Uncertain Significance.

University of Washington Department of Laboratory Medicine, University of Washington
Classification: Likely benign for Hereditary cancer-predisposing syndrome. Last evaluated: 2023-03-23. Review status: criteria provided, single submitter. Criteria: Dines et al. (Genet Med. 2020). Collection method: curation. Allele origin: germline.
Comment: Missense variant in a coldspot region where missense variants are very unlikely to be pathogenic (PMID:31911673).

BRCA2 exon 10 coldspot. Reclassification based on statistical prior probability.

Ambry Genetics
Classification: Uncertain significance for Hereditary cancer-predisposing syndrome. Last evaluated: 2021-04-05. Review status: criteria provided, single submitter. Criteria: Ambry Variant Classification Scheme 2023. Collection method: clinical testing. Allele origin: germline.
Comment: The p.I580M variant (also known as c.1740A>G), located in coding exon 9 of the BRCA2 gene, results from an A to G substitution at nucleotide position 1740. The isoleucine at codon 580 is replaced by methionine, an amino acid with highly similar properties. This amino acid position is well conserved in available vertebrate species. In addition, this alteration is predicted to be tolerated by in silico analysis. Since supporting evidence is limited at this time, the clinical significance of this alteration remains unclear.

Labcorp Genetics (formerly Invitae), Labcorp
Classification: Uncertain significance for Hereditary breast ovarian cancer syndrome. Last evaluated: 2021-02-14. Review status: criteria provided, single submitter. Criteria: Invitae Variant Classification Sherloc (09022015). Collection method: clinical testing. Allele origin: germline.
Comment: In summary, the available evidence is currently insufficient to determine the role of this variant in disease. Therefore, it has been classified as a Variant of Uncertain Significance. Algorithms developed to predict the effect of missense changes on protein structure and function are either unavailable or do not agree on the potential impact of this missense change (SIFT: "Tolerated"; PolyPhen-2: "Probably Damaging"; Align-GVGD: "Class C0"). This variant has not been reported in the literature in individuals with BRCA2-related disease. This variant is present in population databases (rs750989404, ExAC 0.002%). This sequence change replaces isoleucine with methionine at codon 580 of the BRCA2 protein (p.Ile580Met). The isoleucine residue is moderately conserved and there is a small physicochemical difference between isoleucine and methionine.

NM_000059.4(BRCA2):c.1740A>G (p.Ile580Met)

Gene: BRCA2 (BRCA2 DNA repair associated; plus strand). Cytogenetic location: 13q13.1.
Variant type: single nucleotide variant.
Coding change: c.1740A>G on transcript NM_000059.4 (MANE Select); coding-DNA position 1740, A replaced by G.
Protein change: p.Ile580Met; replaces isoleucine 580 with methionine.
Molecular consequence: missense variant.
Genome position (GRCh38, 1-based): chr13:32,333,218, A>G. VCF-style: chr13-32333218-A-G. GRCh37 (hg19) VCF-style: chr13-32907355-A-G.
Other names: short protein forms I580M.
Identifiers: ClinVar variation 840353 (VCV000840353.16), dbSNP rs750989404, ClinGen allele CA6940538.
Genomic context (GRCh38, chr13:32,333,218, plus strand): 5'-TGGAAGCTGGCCAGCCACCACCACACAGAATTCTGTAGCTTTGAAGAATGCAGGTTTAAT[A>G]TCCACTTTGAAAAAGAAAACAAATAAGTTTATTTATGCTATACATGATGAAACATCTTAT-3'
Protein context (NP_000050.3, residues 570-590): NSVALKNAGL[Ile580Met]STLKKKTNKF